The following is an entry in ClinVar:

NM_004415.4(DSP):c.5773_5774del (p.Gln1925fs)

Gene: DSP (desmoplakin; plus strand). Cytogenetic location: 6p24.3.
Variant type: Microsatellite.
Coding change: c.5773_5774del on transcript NM_004415.4 (MANE Select); coding-DNA positions 5773 to 5774, 2 bases deleted (CA; older notation c.5773_5774delCA).
Protein change: p.Gln1925fs; shifts the reading frame from glutamine 1925.
Molecular consequence: frameshift variant.
Genome position (GRCh38, 1-based): chr6:7,583,035-7,583,036, CA deleted; deleting any 2 consecutive bases within chr6:7,583,032-7,583,036 gives the same sequence; the c. name uses the placement nearest the transcript's 3' end. VCF-style (leftmost placement, unchanged base first): chr6-7583031-GAC-G. GRCh37 (hg19) VCF-style: chr6-7583264-GAC-G.
Other names: c.5773_5774del (NM_004415.2); c.3976_3977del, p.Gln1326fs (NM_001008844.3); c.4444_4445del, p.Gln1482fs (NM_001319034.2); short protein forms Q1482fs, Q1925fs, Q1326fs.
Identifiers: ClinVar variation 569376 (VCV000569376.11), dbSNP rs1561701401, ClinGen allele CA891843113.
Genomic context (GRCh38, chr6:7,583,031, plus strand): 5'-AGCAGAGATCAAGAGAATTGAAGAGAGGTGCAGGCGTAAGCTGGAGGATTCTACCAGGGA[GAC>G]ACAGTCACAGTTAGAAACAGAACGCTCCCGATATCAGAGGGAGATTGATAAACTCAGACA-3'

ClinVar aggregate classification (germline): Pathogenic. Review status: criteria provided, multiple submitters, no conflicts (2 of 4 stars). 2 submissions from 2 submitters: Pathogenic (2). Last evaluated 2022-12-05.

Conditions:
Arrhythmogenic right ventricular dysplasia 8 (ARVD8). Also called: Arrhythmogenic Right Ventricular Dysplasia/Cardiomyopathy 8; ARRHYTHMOGENIC RIGHT VENTRICULAR DYSPLASIA, FAMILIAL, 8; ARRHYTHMOGENIC RIGHT VENTRICULAR CARDIOMYOPATHY 8. Identifiers: MedGen C1843896, MONDO:0011831, OMIM 607450.
Arrhythmogenic cardiomyopathy with wooly hair and keratoderma. Also called: Carvajal syndrome; Dilated cardiomyopathy with woolly hair and keratoderma; Arrhythmogenic cardiomyopathy with woolly hair and keratoderma; PALMOPLANTAR KERATODERMA WITH LEFT VENTRICULAR CARDIOMYOPATHY AND WOOLLY HAIR. Identifiers: Orphanet 65282, MedGen C1854063, MONDO:0011581, OMIM 605676.
Cardiovascular phenotype. Identifiers: MedGen CN230736.

Submissions (2):

Labcorp Genetics (formerly Invitae), Labcorp
Classification: Pathogenic for Arrhythmogenic cardiomyopathy with wooly hair and keratoderma; Arrhythmogenic right ventricular dysplasia 8. Last evaluated: 2022-12-05. Review status: criteria provided, single submitter. Criteria: Invitae Variant Classification Sherloc (09022015). Collection method: clinical testing. Allele origin: germline.
Comment: For these reasons, this variant has been classified as Pathogenic. This variant disrupts a region of the DSP protein in which other variant(s) (p.Arg1951*, p.Arg2156Lysfs*9, p.Arg2166*, p.Gly2414*, p.Ser2168Argfs*18) have been determined to be pathogenic (PMID: 23671136, 27532257; Invitae). This suggests that this is a clinically significant region of the protein, and that variants that disrupt it are likely to be disease-causing. ClinVar contains an entry for this variant (Variation ID: 569376). This variant has not been reported in the literature in individuals affected with DSP-related conditions. This variant is not present in population databases (gnomAD no frequency). This sequence change creates a premature translational stop signal (p.Gln1925Valfs*15) in the DSP gene. While this is not anticipated to result in nonsense mediated decay, it is expected to disrupt the last 947 amino acid(s) of the DSP protein.

Ambry Genetics
Classification: Pathogenic for Cardiovascular phenotype. Last evaluated: 2021-05-12. Review status: criteria provided, single submitter. Criteria: Ambry Variant Classification Scheme 2023. Collection method: clinical testing. Allele origin: germline.
Comment: The c.5773_5774delCA pathogenic mutation, located in coding exon 24 of the DSP gene, results from a deletion of two nucleotides at nucleotide positions 5773 to 5774, causing a translational frameshift with a predicted alternate stop codon (p.Q1925Vfs*15). This alteration occurs at the 3' terminus of theDSP gene, is not expected to trigger nonsense-mediated mRNA decay, and impacts the last 947 amino acids (33%) of the protein. However, premature stop codons are typically deleterious in nature and the impacted region is critical for protein function (Ambry internal data). Alterations in DSP that result in haploinsufficiency or protein truncation have been reported in patients with arrhythmogenic right ventricular cardiomyopathy (ARVC) and dilated cardiomyopathy (DCM) (Fressart V et al. Europace. 2010;12(6):861-8; Elliott P et al. Circ Cardiovasc Genet. 2010;3(4):314-22; Quarta G et al. Circulation. 2011;123(23):2701-9; Garcia-Pavia P et al. Heart. 2011;97(21):1744-52; Rasmussen TB et al. Clin Genet. 2013;84(1):20-30; Pugh TJ et al. Genet Med. 2014;16(8):601-8). In addition, alterations more C-terminal than this variant have been detected in arrhythmogenic right ventricular cardiomyopathy (ARVC) and dilated cardiomyopathy (DCM) cohorts (e.g., c.8077_8080delAAG and c.8188delC in Walsh R et al. Genet. Med. 2017;19:192-203). Based on the supporting evidence, this alteration is interpreted as a disease-causing mutation.

Literature cited by the submitters: PubMed 23671136 (cited by Labcorp Genetics (formerly Invitae), Labcorp); PubMed 27532257 (cited by Labcorp Genetics (formerly Invitae), Labcorp).